The following is an entry in ClinVar:

NM_020921.4(NIN):c.5875G>A (p.Glu1959Lys)

Gene: NIN (ninein; minus strand). Cytogenetic location: 14q22.1.
Variant type: single nucleotide variant.
Coding change: c.5875G>A on transcript NM_020921.4 (MANE Select); coding-DNA position 5875, G replaced by A.
Protein change: p.Glu1959Lys; replaces glutamic acid 1959 with lysine.
Molecular consequence: missense variant.
Genome position (GRCh38, 1-based): chr14:50,735,518, C>T on the plus strand (G>A on the coding strand, the complement: NIN is on the minus strand). VCF-style: chr14-50735518-C-T. GRCh37 (hg19) VCF-style: chr14-51202236-C-T.
Other names: c.3736G>A, p.Glu1246Lys (NM_016350.5); c.5875G>A, p.Glu1959Lys (NM_182944.3, NM_182946.2); short protein forms E1246K, E1959K.
Identifiers: ClinVar variation 3637373 (VCV003637373.2).

ClinVar aggregate classification (germline): Uncertain significance (1 of 4 stars; one submission).

gnomAD v4.1: 9 of 1,613,066 alleles (0.00056%); highest among the groups gnomAD compares: Admixed American, 0.015%; no homozygotes.

Submission:

Labcorp Genetics (formerly Invitae), Labcorp
Classification: Uncertain significance. Last evaluated: 2024-12-12. Review status: criteria provided, single submitter. Criteria: Invitae Variant Classification Sherloc (09022015). Collection method: clinical testing. Allele origin: germline.
Comment: This sequence change replaces glutamic acid, which is acidic and polar, with lysine, which is basic and polar, at codon 1959 of the NIN protein (p.Glu1959Lys). This variant is present in population databases (rs764830891, gnomAD 0.02%). This variant has not been reported in the literature in individuals affected with NIN-related conditions. An algorithm developed to predict the effect of missense changes on protein structure and function (PolyPhen-2) suggests that this variant is likely to be disruptive. In summary, the available evidence is currently insufficient to determine the role of this variant in disease. Therefore, it has been classified as a Variant of Uncertain Significance.